The following is an entry in ClinVar:

NM_006231.4(POLE):c.3503A>T (p.His1168Leu)

Gene: POLE (DNA polymerase epsilon, catalytic subunit; minus strand). Cytogenetic location: 12q24.33.
Variant type: single nucleotide variant.
Coding change: c.3503A>T on transcript NM_006231.4 (MANE Select); coding-DNA position 3503, A replaced by T.
Protein change: p.His1168Leu; replaces histidine 1168 with leucine.
Molecular consequence: missense variant.
Genome position (GRCh38, 1-based): chr12:132,657,215, T>A on the plus strand (A>T on the coding strand, the complement: POLE is on the minus strand). VCF-style: chr12-132657215-T-A. GRCh37 (hg19) VCF-style: chr12-133233801-T-A.
Other names: short protein forms H1168L.
Identifiers: ClinVar variation 3422164 (VCV003422164.1).
Genomic context (GRCh38, chr12:132,657,215, plus strand): 5'-GTGAAGAGCTCACTGATCTTCTTCTGCTTGTAGACATCATTCTTCTCCAGCAGTTTTTTG[T>A]GCAGCCAGTCGGGGTGTTTGACACGTGGCACTGGGTTCTTTACCTGTGTGAGGCCAACAC-3'
Protein context (NP_006222.2, residues 1158-1178): VPRVKHPDWL[His1168Leu]KKLLEKNDVY

ClinVar aggregate classification (germline): Uncertain significance (1 of 4 stars; one submission).

Conditions:
Hereditary cancer-predisposing syndrome. Also called: Neoplastic Syndromes, Hereditary; Tumor predisposition; Hereditary Cancer Syndrome; Hereditary neoplastic syndrome. Identifiers: Orphanet 140162, MedGen C0027672, MeSH D009386, MONDO:0015356.

Submission:

Ambry Genetics
Classification: Uncertain significance for Hereditary cancer-predisposing syndrome. Last evaluated: 2024-09-16. Review status: criteria provided, single submitter. Criteria: Ambry Variant Classification Scheme 2023. Collection method: clinical testing. Allele origin: germline.
Comment: The p.H1168L variant (also known as c.3503A>T), located in coding exon 29 of the POLE gene, results from an A to T substitution at nucleotide position 3503. The histidine at codon 1168 is replaced by leucine, an amino acid with similar properties. This amino acid position is conserved. In addition, the in silico prediction for this alteration is inconclusive. Based on the available evidence, the clinical significance of this variant remains unclear.